The following is an entry in ClinVar:

NM_000138.5(FBN1):c.7505A>T (p.Asn2502Ile)

Gene: FBN1 (fibrillin 1; minus strand). Cytogenetic location: 15q21.1.
Variant type: single nucleotide variant.
Coding change: c.7505A>T on transcript NM_000138.5 (MANE Select); coding-DNA position 7505, A replaced by T.
Protein change: p.Asn2502Ile; replaces asparagine 2502 with isoleucine.
Molecular consequence: missense variant.
Genome position (GRCh38, 1-based): chr15:48,422,017, T>A on the plus strand (A>T on the coding strand, the complement: FBN1 is on the minus strand). VCF-style: chr15-48422017-T-A. GRCh37 (hg19) VCF-style: chr15-48714214-T-A.
Other names: short protein forms N2502I.
Identifiers: ClinVar variation 449160 (VCV000449160.28), dbSNP rs1555394243, ClinGen allele CA392325997.

ClinVar aggregate classification (germline): Conflicting classifications of pathogenicity. Review status: criteria provided, conflicting classifications (1 of 4 stars). 5 submissions from 5 submitters: Likely pathogenic (2); Uncertain significance (2). 1 of the submissions does not count toward it. Last evaluated 2021-06-01.

Conditions:
Marfan syndrome (MFS). Also called: MARFAN SYNDROME, TYPE I; FBN1-Related Marfan Syndrome; Marfan syndrome type 1; Marfan's syndrome; Marfan syndrome, classic. Identifiers: Orphanet 284963, Orphanet 558, MedGen C0024796, MONDO:0007947, OMIM 154700.
Familial thoracic aortic aneurysm and aortic dissection (TAAD). Also called: Thoracic aortic aneurysms and dissections. Identifiers: Orphanet 91387, MedGen C4707243, MONDO:0019625.

Submissions (5):

GeneDx
Classification: Likely pathogenic. Last evaluated: 2021-06-01. Review status: criteria provided, single submitter. Criteria: GeneDx Variant Classification Process June 2021. Collection method: clinical testing. Allele origin: germline. Affected: yes.
Comment: Has not been previously published as pathogenic or benign to our knowledge; In silico analysis supports that this missense variant has a deleterious effect on protein structure/function; Not observed at significant frequency in large population cohorts (Lek et al., 2016); This variant is associated with the following publications: (PMID: 27535533, 20591885)

Women's Health and Genetics/Laboratory Corporation of America, LabCorp
Classification: Uncertain significance. Last evaluated: 2021-05-24. Review status: criteria provided, single submitter. Criteria: LabCorp Variant Classification Summary - May 2015. Collection method: clinical testing. Allele origin: germline.
Comment: Variant summary: FBN1 c.7505A>T (p.Asn2502Ile) results in a non-conservative amino acid change located in the EGF-like domain of the encoded protein sequence. Five of five in-silico tools predict a damaging effect of the variant on protein function. The variant was absent in 251212 control chromosomes. The available data on variant occurrences in the general population are insufficient to allow any conclusion about variant significance. To our knowledge, no occurrence of c.7505A>T in individuals affected with Marfan Syndrome and no experimental evidence demonstrating its impact on protein function have been reported. Three clinical diagnostic laboratories have submitted clinical-significance assessments for this variant to ClinVar after 2014 without evidence for independent evaluation. One lab classified the variant as likely pathogenic while two classified the variant as VUS. Based on the evidence outlined above, the variant was classified as uncertain significance.

Centre of Medical Genetics, University of Antwerp
Classification: Likely pathogenic for Marfan syndrome. Last evaluated: 2021-03-01. Review status: criteria provided, single submitter. Criteria: Submitter's publication. Collection method: research. Allele origin: unknown. Affected: yes.
Comment: PM2, PS6, PP4

Labcorp Genetics (formerly Invitae), Labcorp
Classification: Uncertain significance for Marfan syndrome; Familial thoracic aortic aneurysm and aortic dissection. Last evaluated: 2017-11-03. Review status: criteria provided, single submitter. Criteria: Invitae Variant Classification Sherloc (09022015). Collection method: clinical testing. Allele origin: germline.
Comment: This variant has not been reported in the literature in individuals with FBN1-related disease. Algorithms developed to predict the effect of missense changes on protein structure and function do not agree on the potential impact of this missense change (SIFT: "Deleterious"; PolyPhen-2: "Probably Damaging"; Align-GVGD: "Class C0"). In summary, the available evidence is currently insufficient to determine the role of this variant in disease. Therefore, it has been classified as a Variant of Uncertain Significance. This variant is not present in population databases (ExAC no frequency). This sequence change replaces asparagine with isoleucine at codon 2502 of the FBN1 protein (p.Asn2502Ile). The asparagine residue is highly conserved and there is a large physicochemical difference between asparagine and isoleucine.

Center for Medical Genetics Ghent, University of Ghent
Classification: Uncertain significance for Marfan syndrome. Last evaluated: 2017-11-07. Review status: no assertion criteria provided. Collection method: clinical testing. Allele origin: germline. Affected: yes. Not counted in ClinVar's aggregate classification.

Literature cited by the submitters: PubMed 29875124 (cited by Women's Health and Genetics/Laboratory Corporation of America, LabCorp).